The following is an entry in ClinVar:

ClinVar aggregate classification (germline): Conflicting classifications of pathogenicity. Review status: criteria provided, conflicting classifications (1 of 4 stars). 5 submissions from 5 submitters: Uncertain significance (4); Likely benign (1). Last evaluated 2026-05-21.

Conditions:
MAGEL2-related disorder. Also called: MAGEL2-related condition.
Inborn genetic diseases. Identifiers: MedGen C0950123, MeSH D030342.
Schaaf-Yang syndrome (SHFYNG). Also called: MAGEL2-related Prader-Willi-like syndrome; Arthrogryposis, distal, with hypopituitarism, intellectual disability, and facial anomalies. Identifiers: Orphanet 398069, MedGen C5575066, MONDO:0014243, OMIM 615547.

Submissions (5):

PreventionGenetics, part of Exact Sciences
Classification: Uncertain significance for MAGEL2-related condition. Last evaluated: 2026-05-21. Review status: criteria provided, single submitter. Criteria: ACMG Guidelines, 2015. Collection method: clinical testing. Allele origin: germline.
Comment: The MAGEL2 c.1601C>G variant is predicted to result in the amino acid substitution p.Pro534Arg. To our knowledge, this variant has not been reported in the literature. This variant is reported in 0.17% of alleles in individuals of Latino descent in gnomAD; however, quality metrics at this site indicate this frequency is unreliable. At this time, the clinical significance of this variant is uncertain due to the absence of conclusive functional and genetic evidence.

Labcorp Genetics (formerly Invitae), Labcorp
Classification: Uncertain significance. Last evaluated: 2025-12-08. Review status: criteria provided, single submitter. Criteria: Invitae Variant Classification Sherloc (09022015). Collection method: clinical testing. Allele origin: germline.
Comment: This sequence change replaces proline, which is neutral and non-polar, with arginine, which is basic and polar, at codon 534 of the MAGEL2 protein (p.Pro534Arg). This variant is present in population databases (no rsID available, gnomAD 0.09%). This variant has not been reported in the literature in individuals affected with MAGEL2-related conditions. ClinVar contains an entry for this variant (Variation ID: 2415444). Invitae Evidence Modeling of protein sequence and biophysical properties (such as structural, functional, and spatial information, amino acid conservation, physicochemical variation, residue mobility, and thermodynamic stability) indicates that this missense variant is not expected to disrupt MAGEL2 protein function with a negative predictive value of 80%. In summary, the available evidence is currently insufficient to determine the role of this variant in disease. Therefore, it has been classified as a Variant of Uncertain Significance.

CeGaT Center for Human Genetics Tuebingen
Classification: Likely benign. Last evaluated: 2024-09-01. Review status: criteria provided, single submitter. Criteria: CeGaT Center For Human Genetics Tuebingen Variant Classification Criteria Version 2. Collection method: clinical testing. Allele origin: germline. Affected: yes. Observed: 1 variant allele.
Comment: MAGEL2: BS1

Ambry Genetics
Classification: Uncertain significance for Inborn genetic diseases. Last evaluated: 2024-05-15. Review status: criteria provided, single submitter. Criteria: Ambry Variant Classification Scheme 2023. Collection method: clinical testing. Allele origin: germline.

Pittsburgh Clinical Genomics Laboratory, University of Pittsburgh Medical Center
Classification: Uncertain significance for Schaaf-Yang syndrome. Last evaluated: 2024-05-15. Review status: criteria provided, single submitter. Criteria: ACMG Guidelines, 2015. Collection method: clinical testing. Allele origin: germline. Inheritance: Autosomal dominant inheritance. Affected: yes.
Comment: This sequence variant is a single nucleotide substitution (C>G) at position 1601 of the coding sequence of the MAGEL2 gene that results in a proline to arginine amino acid change at residue 534 of the MAGE family member L2 protein. This is a previously reported variant (ClinVar 2415444) that has not been observed in individuals affected by MAGEL2-related conditions in the published literature. This variant is present in 58 of 1348560 alleles (0.004%) in the gnomAD v4.1.0 population dataset. Predictions from bioinformatic tools are inconclusive for this variant, and the Pro534 residue at this position is poorly conserved across the vertebrate species examined. Studies examining the functional consequence of this variant have not been performed, to our knowledge. At this time, there is insufficient evidence to determine if this variant is pathogenic or benign. Therefore, we consider this a variant of uncertain significance. ACMG Criteria: BP1, PM2

NM_019066.5(MAGEL2):c.1601C>G (p.Pro534Arg)

Gene: MAGEL2 (MAGE family member L2; minus strand). Cytogenetic location: 15q11.2.
Variant type: single nucleotide variant.
Coding change: c.1601C>G on transcript NM_019066.5 (MANE Select); coding-DNA position 1601, C replaced by G.
Protein change: p.Pro534Arg; replaces proline 534 with arginine.
Molecular consequence: missense variant.
Genome position (GRCh38, 1-based): chr15:23,646,142, G>C on the plus strand (C>G on the coding strand, the complement: MAGEL2 is on the minus strand). VCF-style: chr15-23646142-G-C. GRCh37 (hg19) VCF-style: chr15-23891289-G-C.
Other names: c.1601C>G (NM_019066.4); short protein forms P534R.
Identifiers: ClinVar variation 2415444 (VCV002415444.26), dbSNP rs976206096, ClinGen allele CA267660257.
Genomic context (GRCh38, chr15:23,646,142, plus strand): 5'-GCCGCGGGTACCTGCGTAGCAGGTGGGGCCGTAGGCACCTGCGGCGCCGCCTGCACCTGC[G>C]GGGCCGGCAGCCTAGCCTGCGGGGCCTGCCGCAGTGGAGGTGGGGGTGGCAGGGCCTGCC-3'
Protein context (NP_061939.3, residues 524-544): RQAPQARLPA[Pro534Arg]QVQAAPQVPT